The following is an entry in ClinVar:

ClinVar aggregate classification (germline): Conflicting classifications of pathogenicity. Review status: criteria provided, conflicting classifications (1 of 4 stars). 2 submissions from 2 submitters: Likely pathogenic (1); Uncertain significance (1). Last evaluated 2025-02-17.

Conditions:
Dilated cardiomyopathy 1G (CMD1G). Identifiers: Orphanet 154, MedGen C1858763, MONDO:0011400, OMIM 604145.
Autosomal recessive limb-girdle muscular dystrophy type 2J (LGMDR10). Also called: Limb-girdle muscular dystrophy, type 2J; MUSCULAR DYSTROPHY, LIMB-GIRDLE, AUTOSOMAL RECESSIVE 10. Identifiers: Orphanet 140922, MedGen C1837342, MONDO:0012127, OMIM 608807.

Allele frequency attached by ClinVar (database versions not stated): TOPMed below 0.00001; gnomAD 0.00001.
gnomAD v4.1: 10 of 1,613,152 alleles (0.00062%); highest among the groups gnomAD compares: South Asian, 0.0088%; no homozygotes.

Submissions (2):

Labcorp Genetics (formerly Invitae), Labcorp
Classification: Uncertain significance for Dilated cardiomyopathy 1G; Autosomal recessive limb-girdle muscular dystrophy type 2J. Last evaluated: 2025-02-17. Review status: criteria provided, single submitter. Criteria: Invitae Variant Classification Sherloc (09022015). Collection method: clinical testing. Allele origin: germline.
Comment: This sequence change falls in intron 361 of the TTN gene. It does not directly change the encoded amino acid sequence of the TTN protein. It affects a nucleotide within the consensus splice site. This variant is present in population databases (rs780526209, gnomAD 0.003%). This variant has not been reported in the literature in individuals affected with TTN-related conditions. ClinVar contains an entry for this variant (Variation ID: 420775). Variants that disrupt the consensus splice site are a relatively common cause of aberrant splicing (PMID: 17576681, 9536098). Algorithms developed to predict the effect of sequence changes on RNA splicing suggest that this variant may disrupt the consensus splice site. This variant is located in the M band of TTN (PMID: 25589632). Non-truncating variants in this region may be relevant for neuromuscular disorders, but have not been definitively shown to cause cardiomyopathy (PMID: 23975875). In summary, the available evidence is currently insufficient to determine the role of this variant in disease. Therefore, it has been classified as a Variant of Uncertain Significance.

GeneDx
Classification: Likely pathogenic. Last evaluated: 2022-09-08. Review status: criteria provided, single submitter. Criteria: GeneDx Variant Classification Process June 2021. Collection method: clinical testing. Allele origin: germline. Affected: yes.
Comment: Intronic +5 splice site variant in a gene for which loss of function is a known mechanism of disease, and splice predictors support a deleterious effect; Not observed at significant frequency in large population cohorts (gnomAD); Has not been previously published as pathogenic or benign to our knowledge; Located in the M-line region of TTN in which the majority of loss of function variants have been associated with autosomal recessive titinopathies (Carmignac et al., 2007); This variant is associated with the following publications: (PMID: 17444505)

Literature cited by the submitters: PubMed 17576681 (cited by Labcorp Genetics (formerly Invitae), Labcorp); PubMed 9536098 (cited by Labcorp Genetics (formerly Invitae), Labcorp); PubMed 25589632 (cited by Labcorp Genetics (formerly Invitae), Labcorp); PubMed 23975875 (cited by Labcorp Genetics (formerly Invitae), Labcorp).

NM_001267550.2(TTN):c.107377+5G>A

Genes: TTN (titin; minus strand), TTN-AS1 (TTN antisense RNA 1; plus strand). Cytogenetic location: 2q31.2.
Variant type: single nucleotide variant.
Coding change: c.107377+5G>A on transcript NM_001267550.2 (MANE Select); 5 bases into the intron after coding-DNA position 107377, G replaced by A.
Molecular consequence: intron variant.
Genome position (GRCh38, 1-based): chr2:178,528,269, C>T on the plus strand (G>A on the coding strand, the complement: TTN is on the minus strand). VCF-style: chr2-178528269-C-T. GRCh37 (hg19) VCF-style: chr2-179392996-C-T.
Other names: c.80182+5G>A (NM_003319.4); c.80758+5G>A (NM_133437.4); c.80557+5G>A (NM_133432.3); c.99673+5G>A (NM_133378.4); c.102454+5G>A (NM_001256850.1).
Identifiers: ClinVar variation 420775 (VCV000420775.6), dbSNP rs780526209, ClinGen allele CA1984962.